The following is an entry in ClinVar:

ClinVar aggregate classification (germline): Conflicting classifications of pathogenicity. Review status: criteria provided, conflicting classifications (1 of 4 stars). 2 submissions from 2 submitters: Uncertain significance (1); Likely benign (1). Last evaluated 2025-10-01.

Conditions:
Inborn genetic diseases. Identifiers: MedGen C0950123, MeSH D030342.

Allele frequency attached by ClinVar (database versions not stated): TOPMed 0.00002; gnomAD 0.00004; gnomAD exomes 0.00006; ESP Exome Variant Server 0.00011.
gnomAD v4.1: 106 of 1,535,346 alleles (0.0069%); highest among the groups gnomAD compares: Non-Finnish European, 0.0077%; no homozygotes.

Submissions (2):

CeGaT Center for Human Genetics Tuebingen
Classification: Likely benign. Last evaluated: 2025-10-01. Review status: criteria provided, single submitter. Criteria: CeGaT Center For Human Genetics Tuebingen Variant Classification Criteria Version 2. Collection method: clinical testing. Allele origin: germline. Affected: yes. Observed: 1 variant allele.
Comment: MN1: BS2

Ambry Genetics
Classification: Uncertain significance for Inborn genetic diseases. Last evaluated: 2023-05-16. Review status: criteria provided, single submitter. Criteria: Ambry Variant Classification Scheme 2023. Collection method: clinical testing. Allele origin: germline.

NM_002430.3(MN1):c.1823G>T (p.Gly608Val)

Gene: MN1 (MN1 proto-oncogene, transcriptional regulator; minus strand). Cytogenetic location: 22q12.1.
Variant type: single nucleotide variant.
Coding change: c.1823G>T on transcript NM_002430.3 (MANE Select); coding-DNA position 1823, G replaced by T.
Protein change: p.Gly608Val; replaces glycine 608 with valine.
Molecular consequence: missense variant.
Genome position (GRCh38, 1-based): chr22:27,798,721, C>A on the plus strand (G>T on the coding strand, the complement: MN1 is on the minus strand). VCF-style: chr22-27798721-C-A. GRCh37 (hg19) VCF-style: chr22-28194709-C-A.
Other names: short protein forms G608V.
Identifiers: ClinVar variation 2509598 (VCV002509598.8), dbSNP rs376119570, ClinGen allele CA322884464.